The following is an entry in ClinVar:

NM_000301.5(PLG):c.583G>A (p.Gly195Ser)

Gene: PLG (plasminogen; plus strand). Cytogenetic location: 6q26.
Variant type: single nucleotide variant.
Coding change: c.583G>A on transcript NM_000301.5 (MANE Select); coding-DNA position 583, G replaced by A.
Protein change: p.Gly195Ser; replaces glycine 195 with serine.
Molecular consequence: missense variant.
Genome position (GRCh38, 1-based): chr6:160,714,829, G>A. VCF-style: chr6-160714829-G-A. GRCh37 (hg19) VCF-style: chr6-161135861-G-A.
Other names: short protein forms G195S.
Identifiers: ClinVar variation 4806073 (VCV004806073.1).

ClinVar aggregate classification (germline): Uncertain significance (1 of 4 stars; one submission).

gnomAD v4.1: 8 of 1,613,334 alleles (0.0005%); highest among the groups gnomAD compares: Admixed American, 0.0017%; no homozygotes.

Submission:

Labcorp Genetics (formerly Invitae), Labcorp
Classification: Uncertain significance. Last evaluated: 2025-07-28. Review status: criteria provided, single submitter. Criteria: Invitae Variant Classification Sherloc (09022015). Collection method: clinical testing. Allele origin: germline.
Comment: This sequence change replaces glycine, which is neutral and non-polar, with serine, which is neutral and polar, at codon 195 of the PLG protein (p.Gly195Ser). This variant is present in population databases (no rsID available, gnomAD 0.004%). This variant has not been reported in the literature in individuals affected with PLG-related conditions. Invitae Evidence Modeling of protein sequence and biophysical properties (such as structural, functional, and spatial information, amino acid conservation, physicochemical variation, residue mobility, and thermodynamic stability) indicates that this missense variant is expected to disrupt PLG protein function with a positive predictive value of 95%. In summary, the available evidence is currently insufficient to determine the role of this variant in disease. Therefore, it has been classified as a Variant of Uncertain Significance.